The following is an entry in ClinVar:

ClinVar aggregate classification (germline): Benign (1 of 4 stars; one submission).

Allele frequency attached by ClinVar (database versions not stated): TOPMed 0.97717; gnomAD 0.97889 and 0.97965; 1000 Genomes Project 30x 0.98298; 1000 Genomes Project 0.98323.
gnomAD v4.1: 149,261 of 152,354 alleles (98%); highest among the groups gnomAD compares: East Asian, 100%; 73,131 homozygotes.

Submission:

GeneDx
Classification: Benign. Last evaluated: 2018-06-18. Review status: criteria provided, single submitter. Criteria: GeneDx Variant Classification (06012015). Collection method: clinical testing. Allele origin: germline. Affected: yes.
Comment: This variant is considered likely benign or benign based on one or more of the following criteria: it is a conservative change, it occurs at a poorly conserved position in the protein, it is predicted to be benign by multiple in silico algorithms, and/or has population frequency not consistent with disease.

NM_000814.6(GABRB3):c.682+287T>C

Gene: GABRB3 (gamma-aminobutyric acid type A receptor subunit beta3; minus strand). Cytogenetic location: 15q12.
Variant type: single nucleotide variant.
Coding change: c.682+287T>C on transcript NM_000814.6 (MANE Select); 287 bases into the intron after coding-DNA position 682, T replaced by C.
Molecular consequence: intron variant.
Genome position (GRCh38, 1-based): chr15:26,580,032, A>G on the plus strand (T>C on the coding strand, the complement: GABRB3 is on the minus strand). VCF-style: chr15-26580032-A-G. GRCh37 (hg19) VCF-style: chr15-26825179-A-G.
Other names: c.682+287T>C (NM_021912.5); c.427+287T>C (NM_001278631.2, NM_001191320.2); c.469+287T>C (NM_001191321.3).
Identifiers: ClinVar variation 682657 (VCV000682657.1), dbSNP rs6576582, ClinGen allele CA268156769.